The following is an entry in ClinVar:

ClinVar aggregate classification (germline): Uncertain significance (1 of 4 stars; one submission).

Allele frequency attached by ClinVar (database versions not stated): gnomAD exomes 0.00001; TOPMed 0.00001.
gnomAD v4.1: 20 of 1,613,274 alleles (0.0012%); highest among the groups gnomAD compares: Admixed American, 0.015%; no homozygotes.

Submission:

Labcorp Genetics (formerly Invitae), Labcorp
Classification: Uncertain significance. Last evaluated: 2025-07-21. Review status: criteria provided, single submitter. Criteria: Invitae Variant Classification Sherloc (09022015). Collection method: clinical testing. Allele origin: germline.
Comment: This sequence change replaces arginine, which is basic and polar, with glutamine, which is neutral and polar, at codon 4410 of the PCLO protein (p.Arg4410Gln). This variant is present in population databases (rs543587611, gnomAD 0.02%). This variant has not been reported in the literature in individuals affected with PCLO-related conditions. ClinVar contains an entry for this variant (Variation ID: 2168643). An algorithm developed to predict the effect of missense changes on protein structure and function outputs the following: PolyPhen-2: "Not Available". The glutamine amino acid residue is found in multiple mammalian species, which suggests that this missense change does not adversely affect protein function. In summary, the available evidence is currently insufficient to determine the role of this variant in disease. Therefore, it has been classified as a Variant of Uncertain Significance.

NM_033026.6(PCLO):c.13229G>A (p.Arg4410Gln)

Gene: PCLO (piccolo presynaptic cytomatrix protein; minus strand). Cytogenetic location: 7q21.11.
Variant type: single nucleotide variant.
Coding change: c.13229G>A on transcript NM_033026.6 (MANE Select); coding-DNA position 13229, G replaced by A.
Protein change: p.Arg4410Gln; replaces arginine 4410 with glutamine.
Molecular consequence: missense variant.
Genome position (GRCh38, 1-based): chr7:82,914,757, C>T on the plus strand (G>A on the coding strand, the complement: PCLO is on the minus strand). VCF-style: chr7-82914757-C-T. GRCh37 (hg19) VCF-style: chr7-82544073-C-T.
Other names: c.13229G>A, p.Arg4410Gln (NM_014510.3); short protein forms R4410Q.
Identifiers: ClinVar variation 2168643 (VCV002168643.4), dbSNP rs543587611, ClinGen allele CA4319243.